The following is an entry in ClinVar:

NM_001184.4(ATR):c.5568G>A (p.Met1856Ile)

Gene: ATR (ATR checkpoint kinase; minus strand). Cytogenetic location: 3q23.
Variant type: single nucleotide variant.
Coding change: c.5568G>A on transcript NM_001184.4 (MANE Select); coding-DNA position 5568, G replaced by A.
Protein change: p.Met1856Ile; replaces methionine 1856 with isoleucine.
Molecular consequence: missense variant.
Genome position (GRCh38, 1-based): chr3:142,497,183, C>T on the plus strand (G>A on the coding strand, the complement: ATR is on the minus strand). VCF-style: chr3-142497183-C-T. GRCh37 (hg19) VCF-style: chr3-142216025-C-T.
Other names: c.5376G>A, p.Met1792Ile (NM_001354579.2); c.5568G>A (NM_001184.3); short protein forms M1856I, M1792I.
Identifiers: ClinVar variation 1360072 (VCV001360072.9), dbSNP rs1462368280, ClinGen allele CA354815035.

ClinVar aggregate classification (germline): Uncertain significance. Review status: criteria provided, multiple submitters, no conflicts (2 of 4 stars). 2 submissions from 2 submitters: Uncertain significance (2). Last evaluated 2023-12-01.

Conditions:
Inborn genetic diseases. Identifiers: MedGen C0950123, MeSH D030342.

Allele frequency attached by ClinVar (database versions not stated): TOPMed below 0.00001.

Submissions (2):

Ambry Genetics
Classification: Uncertain significance for Inborn genetic diseases. Last evaluated: 2023-12-01. Review status: criteria provided, single submitter. Criteria: Ambry Variant Classification Scheme 2023. Collection method: clinical testing. Allele origin: germline.
Comment: The p.M1856I variant (also known as c.5568G>A), located in coding exon 33 of the ATR gene, results from a G to A substitution at nucleotide position 5568. The methionine at codon 1856 is replaced by isoleucine, an amino acid with highly similar properties. This amino acid position is conserved. In addition, this alteration is predicted to be deleterious by in silico analysis. Since supporting evidence is limited at this time, the clinical significance of this alteration remains unclear.

Labcorp Genetics (formerly Invitae), Labcorp
Classification: Uncertain significance. Last evaluated: 2021-06-09. Review status: criteria provided, single submitter. Criteria: Invitae Variant Classification Sherloc (09022015). Collection method: clinical testing. Allele origin: germline.
Comment: This sequence change replaces methionine with isoleucine at codon 1856 of the ATR protein (p.Met1856Ile). The methionine residue is moderately conserved and there is a small physicochemical difference between methionine and isoleucine. This variant is not present in population databases (ExAC no frequency). This variant has not been reported in the literature in individuals with ATR-related conditions. Algorithms developed to predict the effect of missense changes on protein structure and function are either unavailable or do not agree on the potential impact of this missense change (SIFT: "Tolerated"; PolyPhen-2: "Probably Damaging"; Align-GVGD: "Class C0"). In summary, the available evidence is currently insufficient to determine the role of this variant in disease. Therefore, it has been classified as a Variant of Uncertain Significance.